The following is an entry in ClinVar:

ClinVar aggregate classification (germline): Uncertain significance (1 of 4 stars; one submission).

Conditions:
Leukocyte adhesion deficiency 1 (LAD1). Also called: LEUKOCYTE ADHESION DEFICIENCY, TYPE I; LAD 1; Lymphocyte function-associated antigen 1 immunodeficiency; LFA 1 immunodeficiency. Identifiers: Orphanet 2968, Orphanet 99842, MedGen C0398738, MONDO:0007293, OMIM 116920.

Submission:

Labcorp Genetics (formerly Invitae), Labcorp
Classification: Uncertain significance for Leukocyte adhesion deficiency 1. Last evaluated: 2025-10-09. Review status: criteria provided, single submitter. Criteria: Invitae Variant Classification Sherloc (09022015). Collection method: clinical testing. Allele origin: germline.
Comment: This sequence change replaces valine, which is neutral and non-polar, with leucine, which is neutral and non-polar, at codon 12 of the ITGB2 protein (p.Val12Leu). This variant is not present in population databases (gnomAD no frequency). This variant has not been reported in the literature in individuals affected with ITGB2-related conditions. An algorithm developed to predict the effect of missense changes on protein structure and function outputs the following: PolyPhen-2: "Not Available". The leucine amino acid residue is found in multiple mammalian species, which suggests that this missense change does not adversely affect protein function. In summary, the available evidence is currently insufficient to determine the role of this variant in disease. Therefore, it has been classified as a Variant of Uncertain Significance.

NM_000211.5(ITGB2):c.34G>C (p.Val12Leu)

Gene: ITGB2 (integrin subunit beta 2; minus strand). Cytogenetic location: 21q22.3.
Variant type: single nucleotide variant.
Coding change: c.34G>C on transcript NM_000211.5 (MANE Select); coding-DNA position 34, G replaced by C.
Protein change: p.Val12Leu; replaces valine 12 with leucine.
Molecular consequence: missense variant. On other transcripts: 5 prime UTR variant (1).
Genome position (GRCh38, 1-based): chr21:44,910,749, C>G on the plus strand (G>C on the coding strand, the complement: ITGB2 is on the minus strand). VCF-style: chr21-44910749-C-G. GRCh37 (hg19) VCF-style: chr21-46330664-C-G.
Other names: c.34G>C, p.Val12Leu (NM_001127491.3); c.-217G>C (NM_001303238.2); short protein forms V12L.
Identifiers: ClinVar variation 4728809 (VCV004728809.1).